The following is an entry in ClinVar:

ClinVar aggregate classification (germline): Uncertain significance (1 of 4 stars; one submission).

Conditions:
Hereditary cancer-predisposing syndrome. Also called: Tumor predisposition; Hereditary Cancer Syndrome; Neoplastic Syndromes, Hereditary; Hereditary neoplastic syndrome. Identifiers: Orphanet 140162, MedGen C0027672, MeSH D009386, MONDO:0015356.

Submission:

Ambry Genetics
Classification: Uncertain significance for Hereditary cancer-predisposing syndrome. Last evaluated: 2021-12-11. Review status: criteria provided, single submitter. Criteria: Ambry Variant Classification Scheme 2023. Collection method: clinical testing. Allele origin: germline.
Comment: The p.D962Y variant (also known as c.2884G>T), located in coding exon 25 of the POLE gene, results from a G to T substitution at nucleotide position 2884. The aspartic acid at codon 962 is replaced by tyrosine, an amino acid with highly dissimilar properties. This amino acid position is conserved. In addition, this alteration is predicted to be deleterious by in silico analysis. Since supporting evidence is limited at this time, the clinical significance of this alteration remains unclear.

NM_006231.4(POLE):c.2884G>T (p.Asp962Tyr)

Gene: POLE (DNA polymerase epsilon, catalytic subunit; minus strand). Cytogenetic location: 12q24.33.
Variant type: single nucleotide variant.
Coding change: c.2884G>T on transcript NM_006231.4 (MANE Select); coding-DNA position 2884, G replaced by T.
Protein change: p.Asp962Tyr; replaces aspartic acid 962 with tyrosine.
Molecular consequence: missense variant.
Genome position (GRCh38, 1-based): chr12:132,661,145, C>A on the plus strand (G>T on the coding strand, the complement: POLE is on the minus strand). VCF-style: chr12-132661145-C-A. GRCh37 (hg19) VCF-style: chr12-133237731-C-A.
Other names: short protein forms D962Y.
Identifiers: ClinVar variation 1797212 (VCV001797212.2), dbSNP rs2138692315, ClinGen allele CA387392886.
Genomic context (GRCh38, chr12:132,661,145, plus strand): 5'-TCAGCTGCAGTTCCCCGCGGCGTTTGACCTCAAAGCCCTTGAGCTCAGCCAGAGAACCGT[C>A]TTCATTGAACACAGCATACCTGAAAAAAAAAAAAAAGGCAAGCACAGCAGTGGCAAGGAG-3'
Protein context (NP_006222.2, residues 952-972): LKKRYAVFNE[Asp962Tyr]GSLAELKGFE